The following is an entry in ClinVar:

NM_006907.4(PYCR1):c.796C>T (p.Arg266Trp)

Gene: PYCR1 (pyrroline-5-carboxylate reductase 1; minus strand). Cytogenetic location: 17q25.3.
Variant type: single nucleotide variant.
Coding change: c.796C>T on transcript NM_006907.4 (MANE Select); coding-DNA position 796, C replaced by T.
Protein change: p.Arg266Trp; replaces arginine 266 with tryptophan.
Molecular consequence: missense variant. On other transcripts: intron variant (1).
Genome position (GRCh38, 1-based): chr17:81,934,327, G>A on the plus strand (C>T on the coding strand, the complement: PYCR1 is on the minus strand). VCF-style: chr17-81934327-G-A. GRCh37 (hg19) VCF-style: chr17-79892203-G-A.
Other names: c.703C>T, p.Arg235Trp (NM_001282279.2); c.796C>T, p.Arg266Trp (NM_001282280.2, NM_153824.3); c.877C>T, p.Arg293Trp (NM_001282281.2); c.633+326C>T (NM_001330523.2); short protein forms R235W, R266W, R293W.
Identifiers: ClinVar variation 4755729 (VCV004755729.1).
Genomic context (GRCh38, chr17:81,934,327, plus strand): 5'-GAGAGGCCTCTGCCATGCAAGGACTGGAGACCAGGGAAGCGGGCAGCGCGGGGGCCCACC[G>A]TGTGCGGATGCAGGAGGCCTCCACAGCGTTGATGAGCAGGGAGCGGAAGCCCCCACTCTC-3'
Protein context (NP_008838.2, residues 256-276): NAVEASCIRT[Arg266Trp]ELQSMADQEQ

ClinVar aggregate classification (germline): Uncertain significance (1 of 4 stars; one submission).

gnomAD v4.1: 36 of 1,612,682 alleles (0.0022%); highest among the groups gnomAD compares: East Asian, 0.013%; no homozygotes.

Submission:

GeneDx
Classification: Uncertain significance. Last evaluated: 2025-08-06. Review status: criteria provided, single submitter. Criteria: GeneDx Variant Classification Process June 2021. Collection method: clinical testing. Allele origin: germline. Affected: yes.
Comment: In silico analysis supports that this missense variant has a deleterious effect on protein structure/function; Has not been previously published as pathogenic or benign to our knowledge